The following is an entry in ClinVar:

NM_207122.2(EXT2):c.1700C>T (p.Pro567Leu)

Gene: EXT2 (exostosin glycosyltransferase 2; plus strand). Cytogenetic location: 11p11.2.
Variant type: single nucleotide variant.
Coding change: c.1700C>T on transcript NM_207122.2 (MANE Select); coding-DNA position 1700, C replaced by T.
Protein change: p.Pro567Leu; replaces proline 567 with leucine.
Molecular consequence: missense variant.
Genome position (GRCh38, 1-based): chr11:44,232,390, C>T. VCF-style: chr11-44232390-C-T. GRCh37 (hg19) VCF-style: chr11-44253940-C-T.
Other names: c.1799C>T, p.Pro600Leu (NM_000401.3); c.1730C>T, p.Pro577Leu (NM_001178083.3); c.1700C>T, p.Pro567Leu (NM_001389628.1, NM_001389630.1); short protein forms P567L, P577L, P600L.
Identifiers: ClinVar variation 2790659 (VCV002790659.3), dbSNP rs2135259510, ClinGen allele CA380182883.

ClinVar aggregate classification (germline): Uncertain significance (1 of 4 stars; one submission).

Conditions:
Exostoses, multiple, type 2 (EXT2). Also called: EXOSTOSES, MULTIPLE, TYPE II; Hereditary Multiple Osteochondromatosis, Type II. Identifiers: Orphanet 321, MedGen C1851413, MONDO:0007586, OMIM 133701.

Submission:

Labcorp Genetics (formerly Invitae), Labcorp
Classification: Uncertain significance for Exostoses, multiple, type 2. Last evaluated: 2022-12-05. Review status: criteria provided, single submitter. Criteria: Invitae Variant Classification Sherloc (09022015). Collection method: clinical testing. Allele origin: germline.
Comment: In summary, the available evidence is currently insufficient to determine the role of this variant in disease. Therefore, it has been classified as a Variant of Uncertain Significance. Advanced modeling of protein sequence and biophysical properties (such as structural, functional, and spatial information, amino acid conservation, physicochemical variation, residue mobility, and thermodynamic stability) performed at Invitae indicates that this missense variant is not expected to disrupt EXT2 protein function. This variant has not been reported in the literature in individuals affected with EXT2-related conditions. This variant is not present in population databases (gnomAD no frequency). This sequence change replaces proline, which is neutral and non-polar, with leucine, which is neutral and non-polar, at codon 567 of the EXT2 protein (p.Pro567Leu).